The following is an entry in ClinVar:

NM_001905.4(CTPS1):c.820A>G (p.Ile274Val)

Gene: CTPS1 (CTP synthase 1; plus strand). Cytogenetic location: 1p34.2.
Variant type: single nucleotide variant.
Coding change: c.820A>G on transcript NM_001905.4 (MANE Select); coding-DNA position 820, A replaced by G.
Protein change: p.Ile274Val; replaces isoleucine 274 with valine.
Molecular consequence: missense variant. On other transcripts: non-coding transcript variant (1).
Genome position (GRCh38, 1-based): chr1:40,996,016, A>G. VCF-style: chr1-40996016-A-G. GRCh37 (hg19) VCF-style: chr1-41461688-A-G.
Other names: c.352A>G, p.Ile118Val (NM_001301237.2); short protein forms I274V, I118V.
Identifiers: ClinVar variation 2141769 (VCV002141769.3), dbSNP rs913948751, ClinGen allele CA21140861.

ClinVar aggregate classification (germline): Uncertain significance (1 of 4 stars; one submission).

Conditions:
Combined immunodeficiency due to CTPS1 deficiency. Also called: Severe combined immunodeficiency due to CTPS1 deficiency; Immunodeficiency 24. Identifiers: Orphanet 420573, MedGen C4014617, MONDO:0014391, OMIM 615897.

Allele frequency attached by ClinVar (database versions not stated): gnomAD 0.00003; TOPMed 0.00003.
gnomAD v4.1: 30 of 1,614,028 alleles (0.0019%); highest among the groups gnomAD compares: East Asian, 0.0045%; no homozygotes.

Submission:

Labcorp Genetics (formerly Invitae), Labcorp
Classification: Uncertain significance for Combined immunodeficiency due to CTPS1 deficiency. Last evaluated: 2022-09-25. Review status: criteria provided, single submitter. Criteria: Invitae Variant Classification Sherloc (09022015). Collection method: clinical testing. Allele origin: germline.
Comment: This variant is present in population databases (no rsID available, gnomAD 0.003%). In summary, the available evidence is currently insufficient to determine the role of this variant in disease. Therefore, it has been classified as a Variant of Uncertain Significance. Algorithms developed to predict the effect of missense changes on protein structure and function output the following: SIFT: "Tolerated"; PolyPhen-2: "Benign"; Align-GVGD: "Class C0". The valine amino acid residue is found in multiple mammalian species, which suggests that this missense change does not adversely affect protein function. This variant has not been reported in the literature in individuals affected with CTPS1-related conditions. This sequence change replaces isoleucine, which is neutral and non-polar, with valine, which is neutral and non-polar, at codon 274 of the CTPS1 protein (p.Ile274Val).